The following is an entry in ClinVar:

ClinVar aggregate classification (germline): Uncertain significance (1 of 4 stars; one submission).

Submission:

Labcorp Genetics (formerly Invitae), Labcorp
Classification: Uncertain significance. Last evaluated: 2023-07-17. Review status: criteria provided, single submitter. Criteria: Invitae Variant Classification Sherloc (09022015). Collection method: clinical testing. Allele origin: germline.
Comment: This sequence change replaces alanine, which is neutral and non-polar, with threonine, which is neutral and polar, at codon 4 of the MERTK protein (p.Ala4Thr). This variant is not present in population databases (gnomAD no frequency). This variant has not been reported in the literature in individuals affected with MERTK-related conditions. ClinVar contains an entry for this variant (Variation ID: 2090132). Algorithms developed to predict the effect of missense changes on protein structure and function output the following: SIFT: "Not Available"; PolyPhen-2: "Not Available"; Align-GVGD: "Not Available". The threonine amino acid residue is found in multiple mammalian species, which suggests that this missense change does not adversely affect protein function. In summary, the available evidence is currently insufficient to determine the role of this variant in disease. Therefore, it has been classified as a Variant of Uncertain Significance.

NM_006343.3(MERTK):c.10G>A (p.Ala4Thr)

Gene: MERTK (MER proto-oncogene, tyrosine kinase; plus strand). Cytogenetic location: 2q13.
Variant type: single nucleotide variant.
Coding change: c.10G>A on transcript NM_006343.3 (MANE Select); coding-DNA position 10, G replaced by A.
Protein change: p.Ala4Thr; replaces alanine 4 with threonine.
Molecular consequence: missense variant.
Genome position (GRCh38, 1-based): chr2:111,898,745, G>A. VCF-style: chr2-111898745-G-A. GRCh37 (hg19) VCF-style: chr2-112656322-G-A.
Other names: short protein forms A4T.
Identifiers: ClinVar variation 2090132 (VCV002090132.4), dbSNP rs1326403828, ClinGen allele CA348232491.